The following is an entry in ClinVar:

ClinVar aggregate classification (germline): Uncertain significance (1 of 4 stars; one submission).

Submission:

Labcorp Genetics (formerly Invitae), Labcorp
Classification: Uncertain significance. Last evaluated: 2025-02-15. Review status: criteria provided, single submitter. Criteria: Invitae Variant Classification Sherloc (09022015). Collection method: clinical testing. Allele origin: germline.
Comment: This sequence change replaces glutamine, which is neutral and polar, with arginine, which is basic and polar, at codon 174 of the RAI1 protein (p.Gln174Arg). This variant is present in population databases (no rsID available, gnomAD 0.0009%). This variant has not been reported in the literature in individuals affected with RAI1-related conditions. ClinVar contains an entry for this variant (Variation ID: 2787615). Invitae Evidence Modeling of protein sequence and biophysical properties (such as structural, functional, and spatial information, amino acid conservation, physicochemical variation, residue mobility, and thermodynamic stability) indicates that this missense variant is not expected to disrupt RAI1 protein function with a negative predictive value of 80%. In summary, the available evidence is currently insufficient to determine the role of this variant in disease. Therefore, it has been classified as a Variant of Uncertain Significance.

NM_030665.4(RAI1):c.521A>G (p.Gln174Arg)

Gene: RAI1 (retinoic acid induced 1; plus strand). Cytogenetic location: 17p11.2.
Variant type: single nucleotide variant.
Coding change: c.521A>G on transcript NM_030665.4 (MANE Select); coding-DNA position 521, A replaced by G.
Protein change: p.Gln174Arg; replaces glutamine 174 with arginine.
Molecular consequence: missense variant.
Genome position (GRCh38, 1-based): chr17:17,793,469, A>G. VCF-style: chr17-17793469-A-G. GRCh37 (hg19) VCF-style: chr17-17696783-A-G.
Other names: short protein forms Q174R.
Identifiers: ClinVar variation 2787615 (VCV002787615.3), dbSNP rs1053199893, ClinGen allele CA288367110.